The following is an entry in ClinVar:

ClinVar aggregate classification (germline): Uncertain significance (1 of 4 stars; one submission).

Submission:

Ambry Genetics
Classification: Uncertain significance. Last evaluated: 2024-09-30. Review status: criteria provided, single submitter. Criteria: Ambry Variant Classification Scheme 2023. Collection method: clinical testing. Allele origin: germline.
Comment: The p.I1221F variant (also known as c.3661A>T), located in coding exon 31 of the PRKDC gene, results from an A to T substitution at nucleotide position 3661. The isoleucine at codon 1221 is replaced by phenylalanine, an amino acid with highly similar properties. This amino acid position is conserved. In addition, this alteration is predicted to be tolerated by in silico analysis. Based on the available evidence, the clinical significance of this variant remains unclear.

NM_006904.7(PRKDC):c.3661A>T (p.Ile1221Phe)

Gene: PRKDC (protein kinase, DNA-activated, catalytic subunit; minus strand). Cytogenetic location: 8q11.21.
Variant type: single nucleotide variant.
Coding change: c.3661A>T on transcript NM_006904.7 (MANE Select); coding-DNA position 3661, A replaced by T.
Protein change: p.Ile1221Phe; replaces isoleucine 1221 with phenylalanine.
Molecular consequence: missense variant.
Genome position (GRCh38, 1-based): chr8:47,893,325, T>A on the plus strand (A>T on the coding strand, the complement: PRKDC is on the minus strand). VCF-style: chr8-47893325-T-A. GRCh37 (hg19) VCF-style: chr8-48805885-T-A.
Other names: c.3661A>T, p.Ile1221Phe (NM_001081640.2); short protein forms I1221F.
Identifiers: ClinVar variation 3425344 (VCV003425344.1).